The following is an entry in ClinVar:

NM_001366385.1(CARD14):c.1206G>T (p.Gln402His)

Gene: CARD14 (caspase recruitment domain family member 14; plus strand). Cytogenetic location: 17q25.3.
Variant type: single nucleotide variant.
Coding change: c.1206G>T on transcript NM_001366385.1 (MANE Select); coding-DNA position 1206, G replaced by T.
Protein change: p.Gln402His; replaces glutamine 402 with histidine.
Molecular consequence: missense variant. On other transcripts: non-coding transcript variant (1).
Genome position (GRCh38, 1-based): chr17:80,191,439, G>T. VCF-style: chr17-80191439-G-T. GRCh37 (hg19) VCF-style: chr17-78165238-G-T.
Other names: c.1206G>T, p.Gln402His (NM_001257970.1, NM_024110.4); c.495G>T, p.Gln165His (NM_052819.3); short protein forms Q165H, Q402H.
Identifiers: ClinVar variation 1366737 (VCV001366737.8), dbSNP rs1429329304, ClinGen allele CA401346469.

ClinVar aggregate classification (germline): Uncertain significance (1 of 4 stars; one submission).

Conditions:
Psoriasis 2. Identifiers: MedGen C1864497, MONDO:0011269, OMIM 602723.
Pityriasis rubra pilaris (PRP). Also called: Pityriasis rubra pilaris--familial type. Identifiers: Orphanet 2897, MedGen C0032027, MONDO:0100017, OMIM 173200, MONDO:0008251.

Submission:

Labcorp Genetics (formerly Invitae), Labcorp
Classification: Uncertain significance for Pityriasis rubra pilaris; Psoriasis 2. Last evaluated: 2021-07-11. Review status: criteria provided, single submitter. Criteria: Invitae Variant Classification Sherloc (09022015). Collection method: clinical testing. Allele origin: germline.
Comment: This sequence change replaces glutamine with histidine at codon 402 of the CARD14 protein (p.Gln402His). The glutamine residue is highly conserved and there is a small physicochemical difference between glutamine and histidine. This variant is not present in population databases (ExAC no frequency). This variant has not been reported in the literature in individuals affected with CARD14-related conditions. Algorithms developed to predict the effect of missense changes on protein structure and function are either unavailable or do not agree on the potential impact of this missense change (SIFT: "Deleterious"; PolyPhen-2: "Possibly Damaging"; Align-GVGD: "Class C0"). In summary, the available evidence is currently insufficient to determine the role of this variant in disease. Therefore, it has been classified as a Variant of Uncertain Significance.